The following is an entry in ClinVar:

NM_175875.5(SIX5):c.347C>G (p.Pro116Arg)

Genes: DM1-AS (DM1 locus antisense RNA; plus strand), SIX5 (SIX homeobox 5; minus strand), LOC107075317 (origin of replication in DMPK trinucleotide repeat region; plus strand). Cytogenetic location: 19q13.32.
Variant type: single nucleotide variant.
Coding change: c.347C>G on transcript NM_175875.5 (MANE Select); coding-DNA position 347, C replaced by G.
Protein change: p.Pro116Arg; replaces proline 116 with arginine.
Molecular consequence: missense variant.
Genome position (GRCh38, 1-based): chr19:45,768,498, G>C on the plus strand (C>G on the coding strand, the complement: SIX5 is on the minus strand). VCF-style: chr19-45768498-G-C. GRCh37 (hg19) VCF-style: chr19-46271756-G-C.
Other names: short protein forms P116R.
Identifiers: ClinVar variation 3010143 (VCV003010143.4), dbSNP rs1464692633, ClinGen allele CA406423878.
Genomic context (GRCh38, chr19:45,768,498, plus strand): 5'-TGGAAGGCCACCAGGGCCCGCGCGCGCAACACCGGGTCGCTGCCACGTAGGCGCTCGGCC[G>C]GGGGCAGTGCGCCCAGGAAGCGGCTCAAGCGGCCGGCGTGGCCCGCCTGGAGCAGCGCCT-3'
Protein context (NP_787071.3, residues 106-126): RLSRFLGALP[Pro116Arg]AERLRGSDPV

ClinVar aggregate classification (germline): Uncertain significance. Review status: criteria provided, multiple submitters, no conflicts (2 of 4 stars). 2 submissions from 2 submitters: Uncertain significance (2). Last evaluated 2024-04-02.

Conditions:
Branchiootorenal syndrome 2 (BOR2). Identifiers: Orphanet 107, MedGen C1970479, MONDO:0012575, OMIM 610896.

Submissions (2):

Fulgent Genetics
Classification: Uncertain significance for Branchiootorenal syndrome 2. Last evaluated: 2024-04-02. Review status: criteria provided, single submitter. Criteria: ACMG Guidelines, 2015. Collection method: clinical testing. Allele origin: germline.

Labcorp Genetics (formerly Invitae), Labcorp
Classification: Uncertain significance. Last evaluated: 2023-03-20. Review status: criteria provided, single submitter. Criteria: Invitae Variant Classification Sherloc (09022015). Collection method: clinical testing. Allele origin: germline.
Comment: In summary, the available evidence is currently insufficient to determine the role of this variant in disease. Therefore, it has been classified as a Variant of Uncertain Significance. Advanced modeling of protein sequence and biophysical properties (such as structural, functional, and spatial information, amino acid conservation, physicochemical variation, residue mobility, and thermodynamic stability) performed at Invitae indicates that this missense variant is not expected to disrupt SIX5 protein function. This variant has not been reported in the literature in individuals affected with SIX5-related conditions. This variant is not present in population databases (gnomAD no frequency). This sequence change replaces proline, which is neutral and non-polar, with arginine, which is basic and polar, at codon 116 of the SIX5 protein (p.Pro116Arg).